The following is an entry in ClinVar:

ClinVar aggregate classification (germline): Uncertain significance. Review status: criteria provided, single submitter (1 of 4 stars). 2 submissions from 2 submitters: Uncertain significance (1). 1 of the submissions does not count toward it. Last evaluated 2022-10-24.

Conditions:
Congenital neutropenia-myelofibrosis-nephromegaly syndrome. Also called: Severe congenital neutropenia 5, autosomal recessive. Identifiers: Orphanet 369852, MedGen C3809031, MONDO:0014118, OMIM 615285.

Allele frequency attached by ClinVar (database versions not stated): TOPMed 0.00010; gnomAD 0.00014; 1000 Genomes Project 30x 0.00016; 1000 Genomes Project 0.00020; ESP Exome Variant Server 0.00038.
gnomAD v4.1: 297 of 1,614,120 alleles (0.018%); highest among the groups gnomAD compares: Non-Finnish European, 0.024%; no homozygotes.

Submissions (2):

Labcorp Genetics (formerly Invitae), Labcorp
Classification: Uncertain significance for Congenital neutropenia-myelofibrosis-nephromegaly syndrome. Last evaluated: 2022-10-24. Review status: criteria provided, single submitter. Criteria: Invitae Variant Classification Sherloc (09022015). Collection method: clinical testing. Allele origin: germline.
Comment: This sequence change replaces arginine, which is basic and polar, with glutamine, which is neutral and polar, at codon 555 of the VPS45 protein (p.Arg555Gln). This variant is present in population databases (rs142968690, gnomAD 0.02%). This variant has not been reported in the literature in individuals affected with VPS45-related conditions. ClinVar contains an entry for this variant (Variation ID: 647655). Algorithms developed to predict the effect of missense changes on protein structure and function (SIFT, PolyPhen-2, Align-GVGD) all suggest that this variant is likely to be tolerated. In summary, the available evidence is currently insufficient to determine the role of this variant in disease. Therefore, it has been classified as a Variant of Uncertain Significance.

Natera, Inc.
Classification: Uncertain significance for Autosomal recessive severe congenital neutropenia 5. Last evaluated: 2020-06-18. Review status: no assertion criteria provided. Collection method: clinical testing. Allele origin: germline. Not counted in ClinVar's aggregate classification.

NM_007259.5(VPS45):c.1664G>A (p.Arg555Gln)

Gene: VPS45 (vacuolar protein sorting 45 homolog; plus strand). Cytogenetic location: 1q21.2.
Variant type: single nucleotide variant.
Coding change: c.1664G>A on transcript NM_007259.5 (MANE Select); coding-DNA position 1664, G replaced by A.
Protein change: p.Arg555Gln; replaces arginine 555 with glutamine.
Molecular consequence: missense variant. On other transcripts: synonymous variant (1), non-coding transcript variant (1).
Genome position (GRCh38, 1-based): chr1:150,144,747, G>A. VCF-style: chr1-150144747-G-A. GRCh37 (hg19) VCF-style: chr1-150116925-G-A.
Other names: c.1443G>A, p.Pro481= (NM_001279353.2); c.1556G>A, p.Arg519Gln (NM_001279354.2); short protein forms R519Q, R555Q.
Identifiers: ClinVar variation 647655 (VCV000647655.4), dbSNP rs142968690, ClinGen allele CA1073477.
Genomic context (GRCh38, chr1:150,144,747, plus strand): 5'-GTAACCTCAAACTACTTATCAGTTTCCTAGAGGAAGTTCTGGCTTCTGGACTGCACAGCC[G>A]AAGCAAGGAGAGCTCTCAAGTCACATCAAGGTCAGCGAGCAGAAGATGAAACGGTGGTTG-3'
Protein context (NP_009190.2, residues 545-565): EEVLASGLHS[Arg555Gln]SKESSQVTSR